The following is an entry in ClinVar:

ClinVar aggregate classification (germline): Uncertain significance (1 of 4 stars; one submission).

Conditions:
KIDINS220-related disorder. Also called: KIDINS220-related condition.

gnomAD v4.1: 23 of 1,593,006 alleles (0.0014%); highest among the groups gnomAD compares: Non-Finnish European, 0.002%; no homozygotes.

Submission:

PreventionGenetics, part of Exact Sciences
Classification: Uncertain significance for KIDINS220-related condition. Last evaluated: 2026-08-31. Review status: criteria provided, single submitter. Criteria: ACMG Guidelines, 2015. Collection method: clinical testing. Allele origin: germline.
Comment: The KIDINS220 c.493T>A variant is predicted to result in the amino acid substitution p.Cys165Ser. To our knowledge, this variant has not been reported in the literature. This variant is reported in 0.0018% of alleles in individuals of European (non-Finnish) descent in gnomAD. At this time, the clinical significance of this variant is uncertain due to the absence of conclusive functional and genetic evidence.

NM_020738.4(KIDINS220):c.493T>A (p.Cys165Ser)

Gene: KIDINS220 (kinase D interacting substrate 220; minus strand). Cytogenetic location: 2p25.1.
Variant type: single nucleotide variant.
Coding change: c.493T>A on transcript NM_020738.4 (MANE Select); coding-DNA position 493, T replaced by A.
Protein change: p.Cys165Ser; replaces cysteine 165 with serine.
Molecular consequence: missense variant. On other transcripts: non-coding transcript variant (2).
Genome position (GRCh38, 1-based): chr2:8,812,406, A>T on the plus strand (T>A on the coding strand, the complement: KIDINS220 is on the minus strand). VCF-style: chr2-8812406-A-T. GRCh37 (hg19) VCF-style: chr2-8952536-A-T.
Other names: c.496T>A, p.Cys166Ser (NM_001348729.2, NM_001348731.2, NM_001348734.2 and 3 more transcripts); c.493T>A, p.Cys165Ser (NM_001348732.2, NM_001348735.2, NM_001348738.2 and 3 more transcripts); c.367T>A, p.Cys123Ser (NM_001348736.2); short protein forms C165S, C123S, C166S.
Identifiers: ClinVar variation 4986418 (VCV004986418.1).